The following is an entry in ClinVar:

NM_001999.4(FBN2):c.1112T>C (p.Val371Ala)

Gene: FBN2 (fibrillin 2; minus strand). Cytogenetic location: 5q23.3.
Variant type: single nucleotide variant.
Coding change: c.1112T>C on transcript NM_001999.4 (MANE Select); coding-DNA position 1112, T replaced by C.
Protein change: p.Val371Ala; replaces valine 371 with alanine.
Molecular consequence: missense variant.
Genome position (GRCh38, 1-based): chr5:128,395,241, A>G on the plus strand (T>C on the coding strand, the complement: FBN2 is on the minus strand). VCF-style: chr5-128395241-A-G. GRCh37 (hg19) VCF-style: chr5-127730934-A-G.
Other names: short protein forms V371A.
Identifiers: ClinVar variation 4744007 (VCV004744007.1).
Genomic context (GRCh38, chr5:128,395,241, plus strand): 5'-TCACAGCAGCACTGCATTTTCGTCATTCTCCCCGGGAGCTCTTGTGCACAGCGGCCATTC[A>G]CCAGGCCCGAGAAACACATGCCTGTTCTCTGATCTGTGCATGTATAAATAAGACAGAAGA-3'
Protein context (NP_001990.2, residues 361-381): QRTGMCFSGL[Val371Ala]NGRCAQELPG

ClinVar aggregate classification (germline): Uncertain significance (1 of 4 stars; one submission).

Conditions:
Congenital contractural arachnodactyly (CCA). Also called: BEALS SYNDROME; Arthrogryposis, distal, type 9; Beals-Hecht syndrome. Identifiers: Orphanet 115, MedGen C0220668, MONDO:0007363, OMIM 121050.

Submission:

Labcorp Genetics (formerly Invitae), Labcorp
Classification: Uncertain significance for Congenital contractural arachnodactyly. Last evaluated: 2025-03-16. Review status: criteria provided, single submitter. Criteria: Invitae Variant Classification Sherloc (09022015). Collection method: clinical testing. Allele origin: germline.
Comment: This sequence change replaces valine, which is neutral and non-polar, with alanine, which is neutral and non-polar, at codon 371 of the FBN2 protein (p.Val371Ala). This variant is not present in population databases (gnomAD no frequency). This variant has not been reported in the literature in individuals affected with FBN2-related conditions. Invitae Evidence Modeling of protein sequence and biophysical properties (such as structural, functional, and spatial information, amino acid conservation, physicochemical variation, residue mobility, and thermodynamic stability) indicates that this missense variant is not expected to disrupt FBN2 protein function with a negative predictive value of 80%. In summary, the available evidence is currently insufficient to determine the role of this variant in disease. Therefore, it has been classified as a Variant of Uncertain Significance.